The following is an entry in ClinVar:

NM_004035.7(ACOX1):c.1738A>G (p.Met580Val)

Gene: ACOX1 (acyl-CoA oxidase 1; minus strand). Cytogenetic location: 17q25.1.
Variant type: single nucleotide variant.
Coding change: c.1738A>G on transcript NM_004035.7 (MANE Select); coding-DNA position 1738, A replaced by G.
Protein change: p.Met580Val; replaces methionine 580 with valine.
Molecular consequence: missense variant.
Genome position (GRCh38, 1-based): chr17:75,948,448, T>C on the plus strand (A>G on the coding strand, the complement: ACOX1 is on the minus strand). VCF-style: chr17-75948448-T-C. GRCh37 (hg19) VCF-style: chr17-73944529-T-C.
Other names: c.1624A>G, p.Met542Val (NM_001185039.2); c.1738A>G, p.Met580Val (NM_007292.6); short protein forms M580V, M542V.
Identifiers: ClinVar variation 2021901 (VCV002021901.4), dbSNP rs2546073833, ClinGen allele CA401059607.

ClinVar aggregate classification (germline): Uncertain significance (1 of 4 stars; one submission).

Conditions:
Acyl-CoA oxidase deficiency. Also called: STRAIGHT-CHAIN ACYL-CoA OXIDASE DEFICIENCY; Pseudoneonatal adrenoleukodystrophy; Peroxisomal acyl-CoA oxidase deficiency. Identifiers: Orphanet 2971, MedGen C1849678, MONDO:0009919, OMIM 264470. Disease mechanism: loss of function.

Allele frequency attached by ClinVar (database versions not stated): gnomAD exomes below 0.00001.
gnomAD v4.1: 1 of 1,614,160 alleles (0.000062%); highest among the groups gnomAD compares: Non-Finnish European, 0.000085%; no homozygotes.

Submission:

Labcorp Genetics (formerly Invitae), Labcorp
Classification: Uncertain significance for Acyl-CoA oxidase deficiency. Last evaluated: 2025-09-08. Review status: criteria provided, single submitter. Criteria: Invitae Variant Classification Sherloc (09022015). Collection method: clinical testing. Allele origin: germline.
Comment: This sequence change replaces methionine, which is neutral and non-polar, with valine, which is neutral and non-polar, at codon 580 of the ACOX1 protein (p.Met580Val). This variant is not present in population databases (gnomAD no frequency). This variant has not been reported in the literature in individuals affected with ACOX1-related conditions. ClinVar contains an entry for this variant (Variation ID: 2021901). Invitae Evidence Modeling of protein sequence and biophysical properties (such as structural, functional, and spatial information, amino acid conservation, physicochemical variation, residue mobility, and thermodynamic stability) indicates that this missense variant is not expected to disrupt ACOX1 protein function with a negative predictive value of 80%. In summary, the available evidence is currently insufficient to determine the role of this variant in disease. Therefore, it has been classified as a Variant of Uncertain Significance.